The following is an entry in ClinVar:

NM_033085.3(FATE1):c.128G>A (p.Arg43Gln)

Gene: FATE1 (fetal and adult testis expressed 1; plus strand). Cytogenetic location: Xq28.
Variant type: single nucleotide variant.
Coding change: c.128G>A on transcript NM_033085.3 (MANE Select); coding-DNA position 128, G replaced by A.
Protein change: p.Arg43Gln; replaces arginine 43 with glutamine.
Molecular consequence: missense variant.
Genome position (GRCh38, 1-based): chrX:151,717,293, G>A. VCF-style: chrX-151717293-G-A. GRCh37 (hg19) VCF-style: chrX-150885765-G-A.
Other names: short protein forms R43Q.
Identifiers: ClinVar variation 2357272 (VCV002357272.26), dbSNP rs147067761, ClinGen allele CA10541500.

ClinVar aggregate classification (germline): Likely benign. Review status: criteria provided, multiple submitters, no conflicts (2 of 4 stars). 2 submissions from 2 submitters: Likely benign (2). Last evaluated 2022-12-01.

Allele frequency attached by ClinVar (database versions not stated): ExAC 0.00037; ESP Exome Variant Server 0.00038; gnomAD exomes 0.00038; gnomAD 0.00041; TOPMed 0.00041.

Submissions (2):

CeGaT Center for Human Genetics Tuebingen
Classification: Likely benign. Last evaluated: 2022-12-01. Review status: criteria provided, single submitter. Criteria: CeGaT Center For Human Genetics Tuebingen Variant Classification Criteria Version 2. Collection method: clinical testing. Allele origin: germline. Affected: yes. Observed: 2 variant alleles.
Comment: FATE1: BP4, BS2

Ambry Genetics
Classification: Likely benign. Last evaluated: 2022-11-17. Review status: criteria provided, single submitter. Criteria: Ambry Variant Classification Scheme 2023. Collection method: clinical testing. Allele origin: germline.